The following is an entry in ClinVar:

NM_005120.3(MED12):c.2422+11G>A

Gene: MED12 (mediator complex subunit 12; plus strand). Cytogenetic location: Xq13.1.
Variant type: single nucleotide variant.
Coding change: c.2422+11G>A on transcript NM_005120.3 (MANE Select); 11 bases into the intron after coding-DNA position 2422, G replaced by A.
Molecular consequence: intron variant.
Genome position (GRCh38, 1-based): chrX:71,125,724, G>A. VCF-style: chrX-71125724-G-A. GRCh37 (hg19) VCF-style: chrX-70345574-G-A.
Identifiers: ClinVar variation 2744123 (VCV002744123.3), dbSNP rs2519680747, ClinGen allele CA2697553154.
Genomic context (GRCh38, chrX:71,125,724, plus strand): 5'-CCAGCTTGCTCCTATTGTGCCTCTGAATCCTGGAGACCTGACATTCTTAGGTACCTCACA[G>A]TAAGCCCCATACTGCCCTCCCTCCCTCTCCCTTCCCTCCCTGAACCTAGCACCTCCCTGT-3'

ClinVar aggregate classification (germline): Uncertain significance (1 of 4 stars; one submission).

Conditions:
FG syndrome (FGS). Identifiers: MedGen C0220769, MONDO:0002010.

Submission:

Labcorp Genetics (formerly Invitae), Labcorp
Classification: Uncertain significance for FG syndrome. Last evaluated: 2023-07-25. Review status: criteria provided, single submitter. Criteria: Invitae Variant Classification Sherloc (09022015). Collection method: clinical testing. Allele origin: germline.
Comment: This sequence change falls in intron 17 of the MED12 gene. It does not directly change the encoded amino acid sequence of the MED12 protein. This variant is not present in population databases (gnomAD no frequency). In summary, the available evidence is currently insufficient to determine the role of this variant in disease. Therefore, it has been classified as a Variant of Uncertain Significance. Algorithms developed to predict the effect of sequence changes on RNA splicing suggest that this variant may disrupt the consensus splice site. This variant has not been reported in the literature in individuals affected with MED12-related conditions.